The following is an entry in ClinVar:

ClinVar aggregate classification (germline): Conflicting classifications of pathogenicity. Review status: criteria provided, conflicting classifications (1 of 4 stars). 11 submissions from 11 submitters: Uncertain significance (5); Benign (1); Likely benign (4). 1 of the submissions does not count toward it. Last evaluated 2026-01-25.

Conditions:
ALK-related disorder. Also called: ALK-related condition.
Hereditary cancer-predisposing syndrome. Also called: Neoplastic Syndromes, Hereditary; Hereditary Cancer Syndrome; Tumor predisposition; Hereditary neoplastic syndrome. Identifiers: Orphanet 140162, MedGen C0027672, MeSH D009386, MONDO:0015356.
Neuroblastoma, susceptibility to, 3. Also called: ALK-Related Neuroblastic Tumor Susceptibility. Identifiers: Orphanet 635, MedGen C2751681, MONDO:0013083, OMIM 613014.

Allele frequency attached by ClinVar (database versions not stated): TOPMed 0.00015; gnomAD 0.00016 and 0.00018; 1000 Genomes Project 0.00020; ExAC 0.00020; gnomAD exomes 0.00023 and 0.00013; 1000 Genomes Project 30x 0.00031; ESP Exome Variant Server 0.00015.
gnomAD v4.1: 236 of 1,614,100 alleles (0.015%); highest among the groups gnomAD compares: Middle Eastern, 0.033%; no homozygotes.

Submissions (11):

Labcorp Genetics (formerly Invitae), Labcorp
Classification: Benign for Neuroblastoma, susceptibility to, 3. Last evaluated: 2026-01-25. Review status: criteria provided, single submitter. Criteria: Invitae Variant Classification Sherloc (09022015). Collection method: clinical testing. Allele origin: germline.

Ambry Genetics
Classification: Uncertain significance for Hereditary cancer-predisposing syndrome. Last evaluated: 2024-12-06. Review status: criteria provided, single submitter. Criteria: Ambry Variant Classification Scheme 2023. Collection method: clinical testing. Allele origin: germline.
Comment: The p.E717K variant (also known as c.2149G>A), located in coding exon 12 of the ALK gene, results from a G to A substitution at nucleotide position 2149. The glutamic acid at codon 717 is replaced by lysine, an amino acid with similar properties. This amino acid position is well conserved in available vertebrate species. In addition, the in silico prediction for this alteration is inconclusive. Based on the available evidence, the clinical significance of this variant remains unclear.

Blueprint Genetics
Classification: Likely benign. Last evaluated: 2024-10-07. Review status: criteria provided, single submitter. Criteria: ACMG Guidelines, 2015. Collection method: clinical testing. Allele origin: germline.

Revvity Omics, Revvity
Classification: Uncertain significance. Last evaluated: 2024-09-18. Review status: criteria provided, single submitter. Criteria: ACMG Guidelines, 2015. Collection method: clinical testing. Allele origin: germline.

Mayo Clinic Laboratories, Mayo Clinic
Classification: Uncertain significance. Last evaluated: 2024-08-27. Review status: criteria provided, single submitter. Criteria: ACMG Guidelines, 2015. Collection method: clinical testing. Allele origin: germline. Observed: 2 variant alleles.

Fulgent Genetics
Classification: Likely benign for Neuroblastoma, susceptibility to, 3. Last evaluated: 2024-03-16. Review status: criteria provided, single submitter. Criteria: ACMG Guidelines, 2015. Collection method: clinical testing. Allele origin: germline.

GeneDx
Classification: Uncertain significance. Last evaluated: 2022-11-04. Review status: criteria provided, single submitter. Criteria: GeneDx Variant Classification Process June 2021. Collection method: clinical testing. Allele origin: germline. Affected: yes.
Comment: In silico analysis supports that this missense variant does not alter protein structure/function; Observed in an individual with breast cancer (Harismendy et al., 2013); This variant is associated with the following publications: (PMID: 25054154, 24326041)

Sema4
Classification: Likely benign for Hereditary cancer-predisposing syndrome. Last evaluated: 2021-03-12. Review status: criteria provided, single submitter. Criteria: Sema4 Curation Guidelines. Collection method: curation. Allele origin: germline.

Illumina Laboratory Services, Illumina
Classification: Likely benign for Neuroblastoma, susceptibility to, 3. Last evaluated: 2018-01-12. Review status: criteria provided, single submitter. Criteria: ICSL Variant Classification Criteria 13 December 2019. Collection method: clinical testing. Allele origin: germline.
Comment: This variant was observed in the ICSL laboratory as part of a predisposition screen in an ostensibly healthy population. It had not been previously curated by ICSL or reported in the Human Gene Mutation Database (HGMD: prior to June 1st, 2018), and was therefore a candidate for classification through an automated scoring system. Utilizing variant allele frequency, disease prevalence and penetrance estimates, and inheritance mode, an automated score was calculated to assess if this variant is too frequent to cause the disease. Based on the score and internal cut-off values, a variant classified as likely benign is not then subjected to further curation. The score for this variant resulted in a classification of likely benign for this disease.

ARUP Laboratories, Molecular Genetics and Genomics, ARUP Laboratories
Classification: Uncertain significance. Last evaluated: 2016-12-21. Review status: criteria provided, single submitter. Criteria: ARUP Molecular Germline Variant Investigation Process. Collection method: clinical testing. Allele origin: germline.

PreventionGenetics, part of Exact Sciences
Classification: Likely benign for ALK-related condition. Last evaluated: 2020-09-14. Review status: no assertion criteria provided. Collection method: clinical testing. Allele origin: germline. Not counted in ClinVar's aggregate classification.
Comment: This variant is classified as likely benign based on ACMG/AMP sequence variant interpretation guidelines (Richards et al. 2015 PMID: 25741868, with internal and published modifications).

Literature cited by the submitters: PubMed 24326041 (cited by Mayo Clinic Laboratories, Mayo Clinic).

NM_004304.5(ALK):c.2149G>A (p.Glu717Lys)

Gene: ALK (ALK receptor tyrosine kinase; minus strand). Cytogenetic location: 2p23.2.
Variant type: single nucleotide variant.
Coding change: c.2149G>A on transcript NM_004304.5 (MANE Select); coding-DNA position 2149, G replaced by A.
Protein change: p.Glu717Lys; replaces glutamic acid 717 with lysine.
Molecular consequence: missense variant.
Genome position (GRCh38, 1-based): chr2:29,251,160, C>T on the plus strand (G>A on the coding strand, the complement: ALK is on the minus strand). VCF-style: chr2-29251160-C-T. GRCh37 (hg19) VCF-style: chr2-29474026-C-T.
Other names: p.Glu717Lys; short protein forms E717K.
Identifiers: ClinVar variation 239802 (VCV000239802.31), dbSNP rs147858673, ClinGen allele CA1594424.